The following is an entry in ClinVar:

ClinVar aggregate classification (germline): Uncertain significance. Review status: criteria provided, multiple submitters, no conflicts (2 of 4 stars). 2 submissions from 2 submitters: Uncertain significance (2). Last evaluated 2025-11-04.

Conditions:
Inborn genetic diseases. Identifiers: MedGen C0950123, MeSH D030342.
Wilms tumor 1 (WT1). Also called: Wilms tumor, somatic. Identifiers: Orphanet 654, MedGen CN033288, MONDO:0008679, OMIM 194070.

Submissions (2):

Ambry Genetics
Classification: Uncertain significance for Inborn genetic diseases. Last evaluated: 2025-11-04. Review status: criteria provided, single submitter. Criteria: Ambry Variant Classification Scheme 2023. Collection method: clinical testing. Allele origin: germline.
Comment: The p.Q260H variant (also known as c.780G>C), located in coding exon 3 of the WT1 gene, results from a G to C substitution at nucleotide position 780. The glutamine at codon 260 is replaced by histidine, an amino acid with highly similar properties. This amino acid position is conserved. In addition, the in silico prediction for this alteration is inconclusive. Based on the available evidence, the clinical significance of this variant remains unclear.

All of Us Research Program, National Institutes of Health
Classification: Uncertain significance for Wilms tumor 1. Last evaluated: 2023-12-13. Review status: criteria provided, single submitter. Criteria: ACMG Guidelines, 2015. Collection method: clinical testing. Allele origin: germline. Inheritance: Autosomal dominant inheritance. Observed: 1 variant allele, 1 heterozygote.
Comment: This missense variant replaces glutamine with histidine at codon 260 of the WT1 protein. Computational prediction is inconclusive regarding the impact of this variant on protein structure and function. To our knowledge, functional studies have not been reported for this variant. This variant has not been reported in individuals affected with WT1-related disorders in the literature. This variant has not been identified in the general population by the Genome Aggregation Database (gnomAD). The available evidence is insufficient to determine the role of this variant in disease conclusively. Therefore, this variant is classified as a Variant of Uncertain Significance.

This study involves interpretation of variants in research participants for the purpose of population health screening. Participant phenotype was not available at the time of variant classification. Additional details can be found in publication PMID: 35346344, PMCID: PMC8962531

NM_024426.6(WT1):c.795G>C (p.Gln265His)

Gene: WT1 (WT1 transcription factor; minus strand). Cytogenetic location: 11p13.
Variant type: single nucleotide variant.
Coding change: c.795G>C on transcript NM_024426.6 (MANE Select); coding-DNA position 795, G replaced by C.
Protein change: p.Gln265His; replaces glutamine 265 with histidine.
Molecular consequence: missense variant. On other transcripts: non-coding transcript variant (2).
Genome position (GRCh38, 1-based): chr11:32,428,048, C>G on the plus strand (G>C on the coding strand, the complement: WT1 is on the minus strand). VCF-style: chr11-32428048-C-G. GRCh37 (hg19) VCF-style: chr11-32449594-C-G.
Other names: c.795G>C, p.Gln265His (NM_000378.6, NM_001407044.1, NM_001407045.1 and 4 more transcripts); c.144G>C, p.Gln48His (NM_001198551.2, NM_001198552.2); c.672G>C, p.Gln224His (NM_001407047.1, NM_001407050.1); c.33G>C, p.Gln11His (NM_001407051.1); c.576G>C, p.Gln192His (NM_001429031.1, NM_001429032.1, NM_001429033.1 and 1 more transcripts); c.780G>C, p.Gln260His (NM_024425.2); c.780G>C (NM_024426.4); short protein forms Q11H, Q192H, Q224H, Q260H, Q265H, Q48H.
Identifiers: ClinVar variation 3074927 (VCV003074927.2), dbSNP rs2494426616, ClinGen allele CA379963161.